The following is an entry in ClinVar:

NM_001358530.2(MOCS1):c.519del (p.Ser173fs)

Gene: MOCS1 (molybdenum cofactor synthesis 1; minus strand). Cytogenetic location: 6p21.2.
Variant type: Deletion.
Coding change: c.519del on transcript NM_001358530.2 (MANE Select); coding-DNA position 519, one base deleted (T; older notation c.519delT).
Protein change: p.Ser173fs; shifts the reading frame from serine 173.
Molecular consequence: frameshift variant. On other transcripts: non-coding transcript variant (1).
Genome position (GRCh38, 1-based): chr6:39,916,132, A deleted on the plus strand (T on the coding strand, the reverse complement: MOCS1 is on the minus strand). VCF-style (leftmost placement, unchanged base first): chr6-39916131-CA-C. GRCh37 (hg19) VCF-style: chr6-39883875-CA-C.
Other names: c.519del, p.Ser173fs (NM_001075098.4, NM_001358529.2, NM_005943.6); c.258del, p.Ser86fs (NM_001358531.2, NM_001358533.2, NM_001358534.2); short protein forms S173fs, S86fs.
Identifiers: ClinVar variation 2866152 (VCV002866152.4), dbSNP rs2482336205, ClinGen allele CA2739273007.

ClinVar aggregate classification (germline): Pathogenic (1 of 4 stars; one submission).

Conditions:
Sulfite oxidase deficiency due to molybdenum cofactor deficiency type A. Also called: Molybdenum cofactor deficiency, complementation group A; Molybdenum Cofactor Deficiency A. Identifiers: Orphanet 308386, Orphanet 833, MedGen C1854988, MONDO:0009643, OMIM 252150.

Submission:

Labcorp Genetics (formerly Invitae), Labcorp
Classification: Pathogenic for Sulfite oxidase deficiency due to molybdenum cofactor deficiency type A. Last evaluated: 2023-05-20. Review status: criteria provided, single submitter. Criteria: Invitae Variant Classification Sherloc (09022015). Collection method: clinical testing. Allele origin: germline.
Comment: For these reasons, this variant has been classified as Pathogenic. This variant has not been reported in the literature in individuals affected with MOCS1-related conditions. This variant is not present in population databases (gnomAD no frequency). This sequence change creates a premature translational stop signal (p.Ser173Argfs*42) in the MOCS1 gene. It is expected to result in an absent or disrupted protein product. Loss-of-function variants in MOCS1 are known to be pathogenic (PMID: 12754701, 16021469).

Literature cited by the submitters: PubMed 12754701; PubMed 16021469.